The following is an entry in ClinVar:

NM_017617.5(NOTCH1):c.5764A>G (p.Asn1922Asp)

Gene: NOTCH1 (notch receptor 1; minus strand). Cytogenetic location: 9q34.3.
Variant type: single nucleotide variant.
Coding change: c.5764A>G on transcript NM_017617.5 (MANE Select); coding-DNA position 5764, A replaced by G.
Protein change: p.Asn1922Asp; replaces asparagine 1922 with aspartic acid.
Molecular consequence: missense variant.
Genome position (GRCh38, 1-based): chr9:136,500,722, T>C on the plus strand (A>G on the coding strand, the complement: NOTCH1 is on the minus strand). VCF-style: chr9-136500722-T-C. GRCh37 (hg19) VCF-style: chr9-139395174-T-C.
Other names: short protein forms N1922D.
Identifiers: ClinVar variation 3300446 (VCV003300446.1).
Genomic context (GRCh38, chr9:136,500,722, plus strand): 5'-CAGAGCGTGAGTAGCGGGCGGCCAGGTGCAAGGCGGTCTCGCCCGTGCGGTCTGTCTGGT[T>C]GTGCAGGCTGGCGCCCTGGTAGATGAAGTCGGAGATGACGGCCGGCGCGTCCTCCTCTTC-3'
Protein context (NP_060087.3, residues 1912-1932): DFIYQGASLH[Asn1922Asp]QTDRTGETAL

ClinVar aggregate classification (germline): Uncertain significance (1 of 4 stars; one submission).

Conditions:
Familial thoracic aortic aneurysm and aortic dissection (TAAD). Also called: Thoracic aortic aneurysms and dissections. Identifiers: Orphanet 91387, MedGen C4707243, MONDO:0019625.

Submission:

Ambry Genetics
Classification: Uncertain significance for Familial thoracic aortic aneurysm and aortic dissection. Last evaluated: 2024-03-31. Review status: criteria provided, single submitter. Criteria: Ambry Variant Classification Scheme 2023. Collection method: clinical testing. Allele origin: germline.
Comment: The p.N1922D variant (also known as c.5764A>G), located in coding exon 31 of the NOTCH1 gene, results from an A to G substitution at nucleotide position 5764. The asparagine at codon 1922 is replaced by aspartic acid, an amino acid with highly similar properties. This amino acid position is conserved. In addition, this alteration is predicted to be tolerated by in silico analysis. Based on the available evidence, the clinical significance of this alteration remains unclear.